The following is an entry in ClinVar:

ClinVar aggregate classification (germline): Uncertain significance (1 of 4 stars; one submission).

Conditions:
Early-infantile DEE. Also called: Early infantile epileptic encephalopathy with suppression bursts; Early infantile epileptic encephalopathy; Ohtahara syndrome. Identifiers: Orphanet 1934, MedGen C0393706, MONDO:0800491.

Submission:

Labcorp Genetics (formerly Invitae), Labcorp
Classification: Uncertain significance for Early-infantile DEE. Last evaluated: 2024-10-24. Review status: criteria provided, single submitter. Criteria: Invitae Variant Classification Sherloc (09022015). Collection method: clinical testing. Allele origin: germline.
Comment: This sequence change replaces glutamine, which is neutral and polar, with glutamic acid, which is acidic and polar, at codon 1330 of the SPTAN1 protein (p.Gln1330Glu). This variant is not present in population databases (gnomAD no frequency). This variant has not been reported in the literature in individuals affected with SPTAN1-related conditions. ClinVar contains an entry for this variant (Variation ID: 1991058). Invitae Evidence Modeling of protein sequence and biophysical properties (such as structural, functional, and spatial information, amino acid conservation, physicochemical variation, residue mobility, and thermodynamic stability) has been performed for this missense variant. However, the output from this modeling did not meet the statistical confidence thresholds required to predict the impact of this variant on SPTAN1 protein function. In summary, the available evidence is currently insufficient to determine the role of this variant in disease. Therefore, it has been classified as a Variant of Uncertain Significance.

NM_001130438.3(SPTAN1):c.3988C>G (p.Gln1330Glu)

Gene: SPTAN1 (spectrin alpha, non-erythrocytic 1; plus strand). Cytogenetic location: 9q34.11.
Variant type: single nucleotide variant.
Coding change: c.3988C>G on transcript NM_001130438.3 (MANE Select); coding-DNA position 3988, C replaced by G.
Protein change: p.Gln1330Glu; replaces glutamine 1330 with glutamic acid.
Molecular consequence: missense variant.
Genome position (GRCh38, 1-based): chr9:128,605,419, C>G. VCF-style: chr9-128605419-C-G. GRCh37 (hg19) VCF-style: chr9-131367698-C-G.
Other names: c.3928C>G, p.Gln1310Glu (NM_001195532.2, NM_001363765.2, NM_001375314.2); c.3988C>G, p.Gln1330Glu (NM_001363759.2, NM_001375310.1, NM_001375311.2 and 2 more transcripts); c.4024C>G, p.Gln1342Glu (NM_001375312.2, NM_001375318.1); short protein forms Q1310E, Q1342E, Q1330E.
Identifiers: ClinVar variation 1991058 (VCV001991058.4), dbSNP rs368517483, ClinGen allele CA375065330.
Genomic context (GRCh38, chr9:128,605,419, plus strand): 5'-CTGCAGGAAAAGTGCACAGAGTTAAACCAGGCCTGGAGCAGCCTGGGGAAACGTGCAGAT[C>G]AGCGCAAGGCAAAGTTGGGTGACTCCCACGACCTGCAGCGCTTCCTTAGCGATTTCCGGT-3'
Protein context (NP_001123910.1, residues 1320-1340): AWSSLGKRAD[Gln1330Glu]RKAKLGDSHD